The following is an entry in ClinVar:

ClinVar aggregate classification (germline): Uncertain significance (1 of 4 stars; one submission).

Submission:

GeneDx
Classification: Uncertain significance. Last evaluated: 2025-09-30. Review status: criteria provided, single submitter. Criteria: GeneDx Variant Classification Process June 2021. Collection method: clinical testing. Allele origin: germline.
Comment: Not observed at significant frequency in large population cohorts (gnomAD); In silico analysis suggests that this missense variant does not alter protein structure/function; Has not been previously published as pathogenic or benign to our knowledge

NM_016148.5(SHANK1):c.5149G>C (p.Gly1717Arg)

Gene: SHANK1 (SH3 and multiple ankyrin repeat domains 1; minus strand). Cytogenetic location: 19q13.33.
Variant type: single nucleotide variant.
Coding change: c.5149G>C on transcript NM_016148.5 (MANE Select); coding-DNA position 5149, G replaced by C.
Protein change: p.Gly1717Arg; replaces glycine 1717 with arginine.
Molecular consequence: missense variant.
Genome position (GRCh38, 1-based): chr19:50,666,811, C>G on the plus strand (G>C on the coding strand, the complement: SHANK1 is on the minus strand). VCF-style: chr19-50666811-C-G. GRCh37 (hg19) VCF-style: chr19-51170068-C-G.
Other names: short protein forms G1717R.
Identifiers: ClinVar variation 2580115 (VCV002580115.2), dbSNP rs1436248656, ClinGen allele CA407011267.